The following is an entry in ClinVar:

NM_000348.4(SRD5A2):c.317del (p.Pro106fs)

Gene: SRD5A2 (steroid 5 alpha-reductase 2; minus strand). Cytogenetic location: 2p23.1.
Variant type: Deletion.
Coding change: c.317del on transcript NM_000348.4 (MANE Select); coding-DNA position 317, one base deleted (C; older notation c.317delC).
Protein change: p.Pro106fs; shifts the reading frame from proline 106.
Molecular consequence: frameshift variant.
Genome position (GRCh38, 1-based): chr2:31,533,731, G deleted on the plus strand (C on the coding strand, the reverse complement: SRD5A2 is on the minus strand); the first of 2 consecutive G bases (chr2:31,533,731-31,533,732); deleting either gives the same sequence. VCF-style (leftmost placement, unchanged base first): chr2-31533730-AG-A. GRCh37 (hg19) VCF-style: chr2-31758800-AG-A.
Other names: short protein forms P106fs.
Identifiers: ClinVar variation 973246 (VCV000973246.10), dbSNP rs767595335, ClinGen allele CA45136783.
Genomic context (GRCh38, chr2:31,533,730, plus strand): 5'-TTGAAGGACTCCATTTCCAGTGCAGAAGGCAGTGCCTCTGAGAATGAGTATAGCTGGATA[AG>A]GCCTCCCTCGATTGAGCAGTGAGTACACAAATGTCCTGGGACACACAGGGAGGAAAGGTT-3'

ClinVar aggregate classification (germline): Pathogenic/Likely pathogenic. Review status: criteria provided, multiple submitters, no conflicts (2 of 4 stars). 2 submissions from 2 submitters: Pathogenic (1); Likely pathogenic (1). Last evaluated 2023-07-16.

Conditions:
3-Oxo-5 alpha-steroid delta 4-dehydrogenase deficiency (PPSH). Also called: 46,XY disorder of sex development due to 5-alpha-reductase 2 deficiency; MALE PSEUDOHERMAPHRODITISM DUE TO 5-ALPHA-REDUCTASE DEFICIENCY; PSEUDOVAGINAL PERINEOSCROTAL HYPOSPADIAS; FAMILIAL INCOMPLETE MALE PSEUDOHERMAPHRODITISM, TYPE 2. Identifiers: Orphanet 753, MedGen C0268297, MONDO:0009923, OMIM 264600. Disease mechanism: loss of function.

Submissions (2):

Labcorp Genetics (formerly Invitae), Labcorp
Classification: Pathogenic for 3-Oxo-5 alpha-steroid delta 4-dehydrogenase deficiency. Last evaluated: 2023-07-16. Review status: criteria provided, single submitter. Criteria: Invitae Variant Classification Sherloc (09022015). Collection method: clinical testing. Allele origin: germline.
Comment: For these reasons, this variant has been classified as Pathogenic. ClinVar contains an entry for this variant (Variation ID: 973246). This premature translational stop signal has been observed in individual(s) with SRD5A2-related conditions (PMID: 32371413). This variant is not present in population databases (gnomAD no frequency). This sequence change creates a premature translational stop signal (p.Pro106Leufs*25) in the SRD5A2 gene. It is expected to result in an absent or disrupted protein product. Loss-of-function variants in SRD5A2 are known to be pathogenic (PMID: 1406794, 1944596).

Institute for Genomic Medicine (IGM) Clinical Laboratory, Nationwide Children's Hospital
Classification: Likely pathogenic for 3-Oxo-5 alpha-steroid delta 4-dehydrogenase deficiency. Last evaluated: 2018-07-06. Review status: criteria provided, single submitter. Criteria: ACMG Guidelines, 2015. Collection method: clinical testing. Allele origin: germline. Affected: yes.
Comment: [ACMG/AMP: PVS1, PM2] This alteration is a null variant in a gene where LOF is a known mechanism of disease [PVS1], is absent from or rarely observed in large-scale population databases [PM2].

Literature cited by the submitters: PubMed 32371413 (cited by Labcorp Genetics (formerly Invitae), Labcorp); PubMed 1406794 (cited by Labcorp Genetics (formerly Invitae), Labcorp); PubMed 1944596 (cited by Labcorp Genetics (formerly Invitae), Labcorp).